The following is an entry in ClinVar:

ClinVar aggregate classification (germline): Benign. Review status: criteria provided, multiple submitters, no conflicts (2 of 4 stars). 18 submissions from 13 submitters: Benign (14). 4 of the submissions do not count toward it. Last evaluated 2026-02-04.

Conditions:
Scapuloperoneal spinal muscular atrophy (SPSMA). Also called: Scapuloperoneal Form of Spinal Muscular Atrophy; Scapuloperoneal spinal muscular atrophy, autosomal dominant; Scapuloperoneal Spinal Muscular Atrophy, TRPV4-Related; AMYOTROPHY, NEUROGENIC SCAPULOPERONEAL, NEW ENGLAND TYPE. Identifiers: Orphanet 431255, MedGen C0751335, MONDO:0008408, OMIM 181405.
Charcot-Marie-Tooth disease. Also called: Charcot-Marie-Tooth Hereditary Neuropathy; Charcot-Marie-Tooth Neuropathy. Identifiers: Orphanet 166, MedGen C0007959, MONDO:0015626.
Charcot-Marie-Tooth disease axonal type 2C (HMSN2C). Also called: CHARCOT-MARIE-TOOTH DISEASE, AXONAL, AUTOSOMAL DOMINANT, TYPE 2C; Charcot-Marie-Tooth Neuropathy Type 2C; Charcot-Marie-Tooth Disease Type 2, TRPV4-Related (CMT2C). Identifiers: Orphanet 99937, MedGen C1853710, MONDO:0011633, OMIM 606071.
Metatropic dysplasia (MTD). Also called: Metatropic dysplasia, nonlethal dominant; METATROPIC DWARFISM; Metatropic Dysplasia, TRPV4-Related. Identifiers: Orphanet 2635, MedGen C0265281, MONDO:0007986, OMIM 156530.
Neuronopathy, distal hereditary motor, autosomal dominant 8. Also called: SPINAL MUSCULAR ATROPHY, CONGENITAL BENIGN, WITH CONTRACTURES; NEURONOPATHY, DISTAL HEREDITARY MOTOR, TYPE VIII; NEUROPATHY, DISTAL HEREDITARY MOTOR, TYPE VIII; Autosomal dominant congenital benign spinal muscular atrophy. Identifiers: Orphanet 1216, MedGen C1838492, MONDO:0010839, OMIM 600175.
Brachyrachia (short spine dysplasia) (BCYM3). Also called: BRACHYRACHIA; Brachyolmia Type 3; Autosomal dominant brachyolmia; Brachyolmia, TRPV4-Related. Identifiers: Orphanet 93304, MedGen C0432227, MONDO:0007232, OMIM 113500.
Spondylometaphyseal dysplasia, Kozlowski type (SMDK). Also called: Spondylometaphyseal Dysplasia, TRPV4-Related (Kozlowski Type); Dysmorphism arthrogryposis skeletal maturation advanced; Jequier-Kozlowski syndrome; Skeletal dysplasia Jequier-Kozlowski type; SMD Kozlowski type. Identifiers: Orphanet 93314, MedGen C0265280, MONDO:0008477, OMIM 184252.

Allele frequency attached by ClinVar (database versions not stated): ESP Exome Variant Server 0.58081; gnomAD 0.60669 and 0.61757; TOPMed 0.62728; 1000 Genomes Project 30x 0.74984; 1000 Genomes Project 0.75439.
gnomAD v4.1: 923,395 of 1,613,704 alleles (57%); highest among the groups gnomAD compares: East Asian, 96%; 273,817 homozygotes.

Submissions (18):

Labcorp Genetics (formerly Invitae), Labcorp
Classification: Benign for Charcot-Marie-Tooth disease axonal type 2C. Last evaluated: 2026-02-04. Review status: criteria provided, single submitter. Criteria: Invitae Variant Classification Sherloc (09022015). Collection method: clinical testing. Allele origin: germline.

Blueprint Genetics
Classification: Benign. Last evaluated: 2024-11-27. Review status: criteria provided, single submitter. Criteria: ACMG Guidelines, 2015. Collection method: clinical testing. Allele origin: germline.

Illumina Laboratory Services, Illumina
Classification: Benign for Metatropic dysplasia. Last evaluated: 2018-01-13. Review status: criteria provided, single submitter. Criteria: ICSL Variant Classification Criteria 13 December 2019. Collection method: clinical testing. Allele origin: germline.
Comment: This variant was observed in the ICSL laboratory as part of a predisposition screen in an ostensibly healthy population. It had not been previously curated by ICSL or reported in the Human Gene Mutation Database (HGMD: prior to June 1st, 2018), and was therefore a candidate for classification through an automated scoring system. Utilizing variant allele frequency, disease prevalence and penetrance estimates, and inheritance mode, an automated score was calculated to assess if this variant is too frequent to cause the disease. Based on the score and internal cut-off values, a variant classified as benign is not then subjected to further curation. The score for this variant resulted in a classification of benign for this disease.

Illumina Laboratory Services, Illumina
Classification: Benign for Brachyrachia (short spine dysplasia). Last evaluated: 2018-01-13. Review status: criteria provided, single submitter. Criteria: ICSL Variant Classification Criteria 13 December 2019. Collection method: clinical testing. Allele origin: germline.
Comment: the same text as in the submission from Illumina Laboratory Services, Illumina above.

Illumina Laboratory Services, Illumina
Classification: Benign for Spondylometaphyseal dysplasia, Kozlowski type. Last evaluated: 2018-01-13. Review status: criteria provided, single submitter. Criteria: ICSL Variant Classification Criteria 13 December 2019. Collection method: clinical testing. Allele origin: germline.
Comment: the same text as in the submission from Illumina Laboratory Services, Illumina above.

Illumina Laboratory Services, Illumina
Classification: Benign for Neuronopathy, distal hereditary motor, autosomal dominant 8. Last evaluated: 2018-01-13. Review status: criteria provided, single submitter. Criteria: ICSL Variant Classification Criteria 13 December 2019. Collection method: clinical testing. Allele origin: germline.
Comment: the same text as in the submission from Illumina Laboratory Services, Illumina above.

Illumina Laboratory Services, Illumina
Classification: Benign for Charcot-Marie-Tooth disease axonal type 2C. Last evaluated: 2018-01-13. Review status: criteria provided, single submitter. Criteria: ICSL Variant Classification Criteria 13 December 2019. Collection method: clinical testing. Allele origin: germline.
Comment: the same text as in the submission from Illumina Laboratory Services, Illumina above.

Illumina Laboratory Services, Illumina
Classification: Benign for Scapuloperoneal spinal muscular atrophy. Last evaluated: 2018-01-13. Review status: criteria provided, single submitter. Criteria: ICSL Variant Classification Criteria 13 December 2019. Collection method: clinical testing. Allele origin: germline.
Comment: the same text as in the submission from Illumina Laboratory Services, Illumina above.

Athena Diagnostics
Classification: Benign. Last evaluated: 2017-07-17. Review status: criteria provided, single submitter. Criteria: Athena Diagnostics Criteria. Collection method: clinical testing. Allele origin: germline.

Mayo Clinic Laboratories, Mayo Clinic
Classification: Benign. Last evaluated: 2015-09-03. Review status: criteria provided, single submitter. Criteria: ACMG Guidelines, 2015. Collection method: clinical testing. Allele origin: germline. Observed: 1,757 variant alleles.

GeneDx
Classification: Benign. Last evaluated: 2015-03-03. Review status: criteria provided, single submitter. Criteria: GeneDx Variant Classification Process June 2021. Collection method: clinical testing. Allele origin: germline. Affected: yes.

Breakthrough Genomics
Classification: Benign. Review status: criteria provided, single submitter. Criteria: ACMG Guidelines, 2015. Collection method: not provided. Allele origin: germline. Inheritance: Autosomal dominant inheritance. Affected: yes.

Molecular Genetics Laboratory, London Health Sciences Centre
Classification: Benign for Charcot-Marie-Tooth disease. Review status: criteria provided, single submitter. Criteria: ACMG Guidelines, 2015. Collection method: clinical testing. Allele origin: germline. Affected: yes.

PreventionGenetics, part of Exact Sciences
Classification: Benign. Review status: criteria provided, single submitter. Criteria: ACMG Guidelines, 2015. Collection method: clinical testing. Allele origin: germline.

Clinical Genetics, Academic Medical Center
Classification: Benign. Review status: no assertion criteria provided. Collection method: clinical testing. Allele origin: germline. Affected: yes. Study: VKGL Data-share Consensus. Not counted in ClinVar's aggregate classification.

Diagnostic Laboratory, Department of Genetics, University Medical Center Groningen
Classification: Benign. Review status: no assertion criteria provided. Collection method: clinical testing. Allele origin: germline. Affected: yes. Study: VKGL Data-share Consensus. Not counted in ClinVar's aggregate classification.

Genome Diagnostics Laboratory, University Medical Center Utrecht
Classification: Benign. Review status: no assertion criteria provided. Collection method: clinical testing. Allele origin: germline. Affected: yes. Study: VKGL Data-share Consensus. Not counted in ClinVar's aggregate classification.

Joint Genome Diagnostic Labs from Nijmegen and Maastricht, Radboudumc and MUMC+
Classification: Benign. Review status: no assertion criteria provided. Collection method: clinical testing. Allele origin: germline. Affected: yes. Study: VKGL Data-share Consensus. Not counted in ClinVar's aggregate classification.

NM_021625.5(TRPV4):c.670A>C (p.Arg224=)

Gene: TRPV4 (transient receptor potential cation channel subfamily V member 4; minus strand). Cytogenetic location: 12q24.11.
Variant type: single nucleotide variant.
Coding change: c.670A>C on transcript NM_021625.5 (MANE Select); coding-DNA position 670, A replaced by C.
Protein change: p.Arg224=; no amino-acid change (arginine 224 retained).
Molecular consequence: synonymous variant.
Genome position (GRCh38, 1-based): chr12:109,803,033, T>G on the plus strand (A>C on the coding strand, the complement: TRPV4 is on the minus strand). VCF-style: chr12-109803033-T-G. GRCh37 (hg19) VCF-style: chr12-110240838-T-G.
Other names: p.Arg224=; c.670A>C, p.Arg224= (NM_001177428.2, NM_001177433.2, NM_147204.3); c.568A>C, p.Arg190= (NM_001177431.2).
Identifiers: ClinVar variation 261420 (VCV000261420.28), dbSNP rs3825394, ClinGen allele CA6780476.